The following is an entry in ClinVar:

ClinVar aggregate classification (germline): Pathogenic (1 of 4 stars; one submission).

Submission:

Labcorp Genetics (formerly Invitae), Labcorp
Classification: Pathogenic. Last evaluated: 2024-01-01. Review status: criteria provided, single submitter. Criteria: Invitae Variant Classification Sherloc (09022015). Collection method: clinical testing. Allele origin: germline.
Comment: This sequence change creates a premature translational stop signal (p.Asn59Lysfs*4) in the REST gene. It is expected to result in an absent or disrupted protein product. Loss-of-function variants in REST are known to be pathogenic (PMID: 26551668). This variant is not present in population databases (gnomAD no frequency). This variant has not been reported in the literature in individuals affected with REST-related conditions. For these reasons, this variant has been classified as Pathogenic.

Literature cited by the submitters: PubMed 26551668.

NM_005612.5(REST):c.177_181del (p.Asn59fs)

Gene: REST (RE1 silencing transcription factor; plus strand). Cytogenetic location: 4q12.
Variant type: Deletion.
Coding change: c.177_181del on transcript NM_005612.5 (MANE Select); coding-DNA positions 177 to 181, 5 bases deleted (TGGCA; older notation c.177_181delTGGCA).
Protein change: p.Asn59fs; shifts the reading frame from asparagine 59.
Molecular consequence: frameshift variant.
Genome position (GRCh38, 1-based): chr4:56,910,815-56,910,819, TGGCA deleted; deleting any 5 consecutive bases within chr4:56,910,814-56,910,819 gives the same sequence; the c. name uses the placement nearest the transcript's 3' end. VCF-style (leftmost placement, unchanged base first): chr4-56910813-AATGGC-A. GRCh37 (hg19) VCF-style: chr4-57776979-AATGGC-A.
Other names: c.177_181delTGGCA, p.Asn59Lysfs (NM_001193508.2, NM_001363453.3); short protein forms N59fs.
Identifiers: ClinVar variation 2706886 (VCV002706886.3), dbSNP rs2475797794, ClinGen allele CA2697546794.